The following is an entry in ClinVar:

NM_006158.5(NEFL):c.1493C>T (p.Ala498Val)

Gene: NEFL (neurofilament light chain; minus strand). Cytogenetic location: 8p21.2.
Variant type: single nucleotide variant.
Coding change: c.1493C>T on transcript NM_006158.5 (MANE Select); coding-DNA position 1493, C replaced by T.
Protein change: p.Ala498Val; replaces alanine 498 with valine.
Molecular consequence: missense variant.
Genome position (GRCh38, 1-based): chr8:24,952,949, G>A on the plus strand (C>T on the coding strand, the complement: NEFL is on the minus strand). VCF-style: chr8-24952949-G-A. GRCh37 (hg19) VCF-style: chr8-24810462-G-A.
Other names: short protein forms A498V.
Identifiers: ClinVar variation 1773831 (VCV001773831.2), dbSNP rs772394645, ClinGen allele CA4681247.

ClinVar aggregate classification (germline): Uncertain significance (1 of 4 stars; one submission).

Conditions:
Inborn genetic diseases. Identifiers: MedGen C0950123, MeSH D030342.

Allele frequency attached by ClinVar (database versions not stated): gnomAD exomes below 0.00001; ExAC 0.00001; gnomAD 0.00001.
gnomAD v4.1: 5 of 1,608,336 alleles (0.00031%); highest among the groups gnomAD compares: South Asian, 0.0011%; no homozygotes.

Submission:

Ambry Genetics
Classification: Uncertain significance for Inborn genetic diseases. Last evaluated: 2020-11-24. Review status: criteria provided, single submitter. Criteria: Ambry Variant Classification Scheme 2023. Collection method: clinical testing. Allele origin: germline.
Comment: The p.A498V variant (also known as c.1493C>T), located in coding exon 4 of the NEFL gene, results from a C to T substitution at nucleotide position 1493. The alanine at codon 498 is replaced by valine, an amino acid with similar properties. This amino acid position is highly conserved in available vertebrate species. In addition, the in silico prediction for this alteration is inconclusive. Since supporting evidence is limited at this time, the clinical significance of this alteration remains unclear.